The following is an entry in ClinVar:

ClinVar aggregate classification (germline): Benign. Review status: criteria provided, multiple submitters, no conflicts (2 of 4 stars). 3 submissions from 3 submitters: Benign (3). Last evaluated 2018-06-23.

Conditions:
Leukocyte adhesion deficiency type II. Also called: CONGENITAL DISORDER OF GLYCOSYLATION, TYPE IIc; CDG IIc; Congenital disorder of glycosylation type 2C; CDG 2C; Leukocyte adhesion deficiency type 2; Rambam Hasharon syndrome. Identifiers: Orphanet 2968, Orphanet 99843, MedGen C0398739, MONDO:0009953, OMIM 266265.

Allele frequency attached by ClinVar (database versions not stated): gnomAD exomes 0.06831; gnomAD 0.11737 and 0.12301; TOPMed 0.13799; 1000 Genomes Project 30x 0.21299; 1000 Genomes Project 0.21665.

Submissions (3):

GeneDx
Classification: Benign. Last evaluated: 2018-06-23. Review status: criteria provided, single submitter. Criteria: GeneDx Variant Classification Process June 2021. Collection method: clinical testing. Allele origin: germline. Affected: yes.

Illumina Laboratory Services, Illumina
Classification: Benign for Leukocyte adhesion deficiency type II. Last evaluated: 2018-01-12. Review status: criteria provided, single submitter. Criteria: ICSL Variant Classification Criteria 13 December 2019. Collection method: clinical testing. Allele origin: germline.
Comment: This variant was observed in the ICSL laboratory as part of a predisposition screen in an ostensibly healthy population. It had not been previously curated by ICSL or reported in the Human Gene Mutation Database (HGMD: prior to June 1st, 2018), and was therefore a candidate for classification through an automated scoring system. Utilizing variant allele frequency, disease prevalence and penetrance estimates, and inheritance mode, an automated score was calculated to assess if this variant is too frequent to cause the disease. Based on the score and internal cut-off values, a variant classified as benign is not then subjected to further curation. The score for this variant resulted in a classification of benign for this disease.

Breakthrough Genomics
Classification: Benign. Review status: criteria provided, single submitter. Criteria: ACMG Guidelines, 2015. Collection method: not provided. Allele origin: germline. Inheritance: Autosomal recessive inheritance. Affected: yes.

NM_018389.5(SLC35C1):c.-632G>A

Gene: SLC35C1 (solute carrier family 35 member C1; plus strand). Cytogenetic location: 11p11.2.
Variant type: single nucleotide variant.
Coding change: c.-632G>A on transcript NM_018389.5 (MANE Select); 632 bases upstream of the start codon, G replaced by A.
Molecular consequence: 5 prime UTR variant. On other transcripts: intron variant (3).
Genome position (GRCh38, 1-based): chr11:45,805,170, G>A. VCF-style: chr11-45805170-G-A. GRCh37 (hg19) VCF-style: chr11-45826721-G-A.
Other names: c.-178G>A (NM_001425156.1); c.-31-640G>A (NM_001145266.2, NM_001145265.2); c.-219-413G>A (NM_001425155.1).
Identifiers: ClinVar variation 304724 (VCV000304724.7), dbSNP rs77254044, ClinGen allele CA10638608.